The following is an entry in ClinVar:

NM_006012.4(CLPP):c.173T>G (p.Leu58Arg)

Gene: CLPP (caseinolytic mitochondrial matrix peptidase proteolytic subunit; plus strand). Cytogenetic location: 19p13.3.
Variant type: single nucleotide variant.
Coding change: c.173T>G on transcript NM_006012.4 (MANE Select); coding-DNA position 173, T replaced by G.
Protein change: p.Leu58Arg; replaces leucine 58 with arginine.
Molecular consequence: missense variant.
Genome position (GRCh38, 1-based): chr19:6,361,747, T>G. VCF-style: chr19-6361747-T-G. GRCh37 (hg19) VCF-style: chr19-6361758-T-G.
Other names: short protein forms L58R.
Identifiers: ClinVar variation 500291 (VCV000500291.6), dbSNP rs980193170, ClinGen allele CA304753511.

ClinVar aggregate classification (germline): Conflicting classifications of pathogenicity. Review status: criteria provided, conflicting classifications (1 of 4 stars). 2 submissions from 2 submitters: Likely pathogenic (1); Uncertain significance (1). Last evaluated 2018-05-07.

Conditions:
Perrault syndrome 3 (PRLTS3). Identifiers: Orphanet 2855, MedGen C3808414, MONDO:0013588, OMIM 614129.

Allele frequency attached by ClinVar (database versions not stated): gnomAD exomes 0.00001; TOPMed 0.00001.
gnomAD v4.1: 15 of 1,527,484 alleles (0.00098%); highest among the groups gnomAD compares: Middle Eastern, 0.017%; no homozygotes.

Submissions (2):

Laboratory of Prof. Karen Avraham, Tel Aviv University
Classification: Likely pathogenic for Perrault syndrome 3. Last evaluated: 2018-05-07. Review status: criteria provided, single submitter. Criteria: ACMG Guidelines, 2015. Collection method: research. Allele origin: germline. Affected: yes.
Comment: Recessive, compound heterozygous with NM_00601.2:[c.233G>C]; congenital, profound HL; auditory neropathy

Eurofins Ntd Llc (ga)
Classification: Uncertain significance. Last evaluated: 2017-03-02. Review status: criteria provided, single submitter. Criteria: EGL Classification Definitions 2015. Collection method: clinical testing. Allele origin: germline. Observed: 1 variant allele, 1 heterozygote.